The following is an entry in ClinVar:

ClinVar aggregate classification (germline): Likely benign. Review status: criteria provided, multiple submitters, no conflicts (2 of 4 stars). 2 submissions from 2 submitters: Likely benign (2). Last evaluated 2023-11-20.

Conditions:
Long QT syndrome (LQTS). Identifiers: MedGen C0023976, MeSH D008133, MONDO:0002442. Disease mechanism: loss of function. Inheritance: Various modes of inheritance.

Allele frequency attached by ClinVar (database versions not stated): gnomAD 0.00001.
gnomAD v4.1: 1 of 1,612,966 alleles (0.000062%); highest among the groups gnomAD compares: Admixed American, 0.0017%; no homozygotes.

Submissions (2):

All of Us Research Program, National Institutes of Health
Classification: Likely benign for Long QT syndrome. Last evaluated: 2023-11-20. Review status: criteria provided, single submitter. Criteria: ACMG Guidelines, 2015. Collection method: clinical testing. Allele origin: germline. Inheritance: Autosomal dominant inheritance. Observed: 1 variant allele, 1 heterozygote.
Comment: This study involves interpretation of variants in research participants for the purpose of population health screening. Participant phenotype was not available at the time of variant classification. Additional details can be found in publication PMID: 35346344, PMCID: PMC8962531

Labcorp Genetics (formerly Invitae), Labcorp
Classification: Likely benign for Long QT syndrome. Last evaluated: 2019-06-21. Review status: criteria provided, single submitter. Criteria: Invitae Variant Classification Sherloc (09022015). Collection method: clinical testing. Allele origin: germline.

NM_000238.4(KCNH2):c.2208G>A (p.Leu736=)

Gene: KCNH2 (potassium voltage-gated channel subfamily H member 2; minus strand). Cytogenetic location: 7q36.1.
Variant type: single nucleotide variant.
Coding change: c.2208G>A on transcript NM_000238.4 (MANE Select); coding-DNA position 2208, G replaced by A.
Protein change: p.Leu736=; no amino-acid change (leucine 736 retained).
Molecular consequence: synonymous variant. On other transcripts: non-coding transcript variant (2).
Genome position (GRCh38, 1-based): chr7:150,950,358, C>T on the plus strand (G>A on the coding strand, the complement: KCNH2 is on the minus strand). VCF-style: chr7-150950358-C-T. GRCh37 (hg19) VCF-style: chr7-150647446-C-T.
Other names: c.1188G>A, p.Leu396= (NM_001204798.2, NM_172057.3); c.1920G>A, p.Leu640= (NM_001406753.1, NM_001406756.1); c.2031G>A, p.Leu677= (NM_001406755.1); c.1908G>A, p.Leu636= (NM_001406757.1); c.2208G>A, p.Leu736= (NM_172056.3).
Identifiers: ClinVar variation 1155076 (VCV001155076.6), dbSNP rs1302068958, ClinGen allele CA458871400.